The following is an entry in ClinVar:

NM_007294.4(BRCA1):c.104T>G (p.Val35Gly)

Gene: BRCA1 (BRCA1 DNA repair associated; minus strand). Cytogenetic location: 17q21.31.
Variant type: single nucleotide variant.
Coding change: c.104T>G on transcript NM_007294.4 (MANE Select); coding-DNA position 104, T replaced by G.
Protein change: p.Val35Gly; replaces valine 35 with glycine.
Molecular consequence: missense variant. On other transcripts: non-coding transcript variant (1), intron variant (1).
Genome position (GRCh38, 1-based): chr17:43,115,756, A>C on the plus strand (T>G on the coding strand, the complement: BRCA1 is on the minus strand). VCF-style: chr17-43115756-A-C. GRCh37 (hg19) VCF-style: chr17-41267773-A-C.
Other names: c.104T>G, p.Val35Gly (NM_001407861.1, NM_001407862.1, NM_001407863.1 and 192 more transcripts); c.-85T>G (NM_001407879.1, NM_001407882.1, NM_001407884.1 and 52 more transcripts); c.-201T>G (NM_001407889.1, NM_001407900.1, NM_001408492.1); c.-38T>G (NM_001407934.1, NM_001407935.1, NM_001407943.1 and 47 more transcripts); c.-154T>G (NM_001407942.1, NM_001408455.1, NM_001408456.1 and 13 more transcripts); c.-200T>G (NM_001407960.1, NM_001407962.1, NM_001408510.1 and 1 more transcripts); c.-316T>G (NM_001407965.1); c.-158T>G (NM_001408465.1, NM_001407695.1); and 2 more; short protein forms V35G.
Identifiers: ClinVar variation 867805 (VCV000867805.3), dbSNP rs1235706456, ClinGen allele CA10601944.

Conditions:
Breast-ovarian cancer, familial, susceptibility to, 1 (BROVCA1). Also called: BRCA1 Hereditary Breast and Ovarian Cancer; OVARIAN CANCER, SUSCEPTIBILITY TO. Identifiers: Orphanet 145, MedGen C2676676, MONDO:0011450, OMIM 604370. Disease mechanism: loss of function.

Allele frequency attached by ClinVar (database versions not stated): gnomAD exomes below 0.00001.
gnomAD v4.1: 1 of 1,613,766 alleles (0.000062%); highest among the groups gnomAD compares: South Asian, 0.0011%; no homozygotes.

Submission:

Brotman Baty Institute, University of Washington
No classification provided (evidence only). Condition: Breast-ovarian cancer, familial 1. Review status: no classification provided. Collection method: in vitro. Allele origin: not applicable. Functional consequence: functionally_abnormal.
ClinVar note: "not provided" was previously submitted as the classification for the variant. However, the classification appeared to be based only on an observation of functional data so it was converted to no classification on 2025-07-30.